The following is an entry in ClinVar:

ClinVar aggregate classification (germline): Uncertain significance (1 of 4 stars; one submission).

Submission:

Labcorp Genetics (formerly Invitae), Labcorp
Classification: Uncertain significance. Last evaluated: 2022-10-28. Review status: criteria provided, single submitter. Criteria: Invitae Variant Classification Sherloc (09022015). Collection method: clinical testing. Allele origin: germline.
Comment: This sequence change replaces threonine, which is neutral and polar, with serine, which is neutral and polar, at codon 364 of the AMER1 protein (p.Thr364Ser). This variant is not present in population databases (gnomAD no frequency). This variant has not been reported in the literature in individuals affected with AMER1-related conditions. ClinVar contains an entry for this variant (Variation ID: 1371013). Algorithms developed to predict the effect of missense changes on protein structure and function (SIFT, PolyPhen-2, Align-GVGD) all suggest that this variant is likely to be disruptive. In summary, the available evidence is currently insufficient to determine the role of this variant in disease. Therefore, it has been classified as a Variant of Uncertain Significance.

NM_152424.4(AMER1):c.1091C>G (p.Thr364Ser)

Gene: AMER1 (APC membrane recruitment protein 1; minus strand). Cytogenetic location: Xq11.2.
Variant type: single nucleotide variant.
Coding change: c.1091C>G on transcript NM_152424.4 (MANE Select); coding-DNA position 1091, C replaced by G.
Protein change: p.Thr364Ser; replaces threonine 364 with serine.
Molecular consequence: missense variant.
Genome position (GRCh38, 1-based): chrX:64,192,196, G>C on the plus strand (C>G on the coding strand, the complement: AMER1 is on the minus strand). VCF-style: chrX-64192196-G-C. GRCh37 (hg19) VCF-style: chrX-63412076-G-C.
Other names: short protein forms T364S.
Identifiers: ClinVar variation 1371013 (VCV001371013.6), dbSNP rs889248937, ClinGen allele CA329957164.